The following is an entry in ClinVar:

NM_198904.4(GABRG2):c.530G>C (p.Arg177Pro)

Gene: GABRG2 (gamma-aminobutyric acid type A receptor subunit gamma2; plus strand). Cytogenetic location: 5q34.
Variant type: single nucleotide variant.
Coding change: c.530G>C on transcript NM_198904.4 (MANE Select); coding-DNA position 530, G replaced by C.
Protein change: p.Arg177Pro; replaces arginine 177 with proline.
Molecular consequence: missense variant.
Genome position (GRCh38, 1-based): chr5:162,097,840, G>C. VCF-style: chr5-162097840-G-C. GRCh37 (hg19) VCF-style: chr5-161524846-G-C.
Other names: c.530G>C, p.Arg177Pro (NM_000816.3, NM_001375340.1, NM_001375341.1 and 4 more transcripts); c.521G>C, p.Arg174Pro (NM_001375339.1); c.464G>C, p.Arg155Pro (NM_001375345.1, NM_001375346.1); c.443G>C, p.Arg148Pro (NM_001375347.1); c.110G>C, p.Arg37Pro (NM_001375348.1, NM_001375350.1); c.245G>C, p.Arg82Pro (NM_001375349.1); short protein forms R148P, R155P, R174P, R177P, R37P, R82P.
Identifiers: ClinVar variation 4279025 (VCV004279025.1).
Genomic context (GRCh38, chr5:162,097,840, plus strand): 5'-AAGCTGATGCACACTGGATCACCACCCCCAACAGGATGCTGAGAATTTGGAATGATGGTC[G>C]AGTGCTCTACACCCTAAGGTATTCTTTTGCAAAAGGAAAGGAGTAATTGTTAGGAAGAAA-3'
Protein context (NP_944494.1, residues 167-187): NRMLRIWNDG[Arg177Pro]VLYTLRLTID

ClinVar aggregate classification (germline): Likely pathogenic (1 of 4 stars; one submission).

Conditions:
Febrile seizures, familial, 8 (FEB8). Also called: CONVULSIONS, FAMILIAL FEBRILE, 8. Identifiers: Orphanet 36387, MedGen C1969810, MONDO:0011891, OMIM 607681.

Submission:

Institute of Human Genetics, University of Leipzig Medical Center
Classification: Likely pathogenic for Febrile seizures, familial, 8. Last evaluated: 2025-08-20. Review status: criteria provided, single submitter. Criteria: ACMG Guidelines, 2015. Collection method: clinical testing. Allele origin: unknown. Inheritance: Autosomal dominant inheritance. Affected: yes.
Comment: Criteria applied: PM2,PS4_SUP, PM5, PP2,PP3